The following is an entry in ClinVar:

NM_001384125.1(BLTP1):c.14762A>C (p.Gln4921Pro)

Gene: BLTP1 (bridge-like lipid transfer protein family member 1; plus strand). Cytogenetic location: 4q27.
Variant type: single nucleotide variant.
Coding change: c.14762A>C on transcript NM_001384125.1 (MANE Select); coding-DNA position 14762, A replaced by C.
Protein change: p.Gln4921Pro; replaces glutamine 4921 with proline.
Molecular consequence: missense variant.
Genome position (GRCh38, 1-based): chr4:122,355,988, A>C. VCF-style: chr4-122355988-A-C. GRCh37 (hg19) VCF-style: chr4-123277143-A-C.
Other names: c.14498A>C, p.Gln4833Pro (NM_015312.4); short protein forms Q4833P, Q4921P.
Identifiers: ClinVar variation 2430489 (VCV002430489.1), dbSNP rs1364641964, ClinGen allele CA358099784.
Genomic context (GRCh38, chr4:122,355,988, plus strand): 5'-CAAGGATGCAGCTTGACTTTAAATCCATTCATGTTCAAGAACCACAGGAGCCTTCATTAC[A>C]GGGTATGTAGAAAAACAATTTAAAGTTAATAAGAAAATTCTAAAGGCACTTCAAACTACT-3'
Protein context (NP_001371054.1, residues 4911-4931): HVQEPQEPSL[Gln4921Pro]DASLKPKVEC

ClinVar aggregate classification (germline): Uncertain significance (1 of 4 stars; one submission).

gnomAD v4.1: 1 of 1,588,444 alleles (0.000063%); highest among the groups gnomAD compares: Admixed American, 0.0017%; no homozygotes.

Submission:

GeneDx
Classification: Uncertain significance. Last evaluated: 2022-08-22. Review status: criteria provided, single submitter. Criteria: GeneDx Variant Classification Process June 2021. Collection method: clinical testing. Allele origin: germline. Affected: yes.
Comment: In silico analysis supports that this missense variant does not alter protein structure/function; Has not been previously published as pathogenic or benign to our knowledge